The following is an entry in ClinVar:

NM_000090.4(COL3A1):c.3577C>T (p.Pro1193Ser)

Gene: COL3A1 (collagen type III alpha 1 chain; plus strand). Cytogenetic location: 2q32.2.
Variant type: single nucleotide variant.
Coding change: c.3577C>T on transcript NM_000090.4 (MANE Select); coding-DNA position 3577, C replaced by T.
Protein change: p.Pro1193Ser; replaces proline 1193 with serine.
Molecular consequence: missense variant.
Genome position (GRCh38, 1-based): chr2:189,008,975, C>T. VCF-style: chr2-189008975-C-T. GRCh37 (hg19) VCF-style: chr2-189873701-C-T.
Other names: short protein forms P1193S.
Identifiers: ClinVar variation 924064 (VCV000924064.9), dbSNP rs1275851079, ClinGen allele CA349846666.
Genomic context (GRCh38, chr2:189,008,975, plus strand): 5'-TCATTCTAGGGCTCCCCAGGCCACCCAGGGCAACCAGGCCCTCCTGGACCTCCTGGTGCC[C>T]CTGGTCCTTGCTGTGGTGGTGTTGGAGCCGCTGCCATTGCTGGGATTGGAGGTGAAAAAG-3'
Protein context (NP_000081.2, residues 1183-1203): QPGPPGPPGA[Pro1193Ser]GPCCGGVGAA

ClinVar aggregate classification (germline): Uncertain significance. Review status: criteria provided, multiple submitters, no conflicts (2 of 4 stars). 4 submissions from 4 submitters: Uncertain significance (4). Last evaluated 2024-08-31.

Conditions:
Ehlers-Danlos syndrome, type 4 (EDSVASC). Also called: Ehlers-Danlos Syndrome Type IV; Ehlers-Danlos syndrome vascular type; Ehlers Danlos syndrome, ecchymotic type; Ehlers Danlos syndrome, arterial type; Ehlers Danlos syndrome, Sack-Barabas type. Identifiers: Orphanet 286, MedGen C0268338, MONDO:0017314, OMIM 130050.
Familial thoracic aortic aneurysm and aortic dissection (TAAD). Also called: Thoracic aortic aneurysms and dissections. Identifiers: Orphanet 91387, MedGen C4707243, MONDO:0019625.

Submissions (4):

Labcorp Genetics (formerly Invitae), Labcorp
Classification: Uncertain significance for Ehlers-Danlos syndrome, type 4. Last evaluated: 2024-08-31. Review status: criteria provided, single submitter. Criteria: Invitae Variant Classification Sherloc (09022015). Collection method: clinical testing. Allele origin: germline.
Comment: This sequence change replaces proline, which is neutral and non-polar, with serine, which is neutral and polar, at codon 1193 of the COL3A1 protein (p.Pro1193Ser). This variant is not present in population databases (gnomAD no frequency). This variant has not been reported in the literature in individuals affected with COL3A1-related conditions. ClinVar contains an entry for this variant (Variation ID: 924064). Invitae Evidence Modeling of protein sequence and biophysical properties (such as structural, functional, and spatial information, amino acid conservation, physicochemical variation, residue mobility, and thermodynamic stability) indicates that this missense variant is not expected to disrupt COL3A1 protein function with a negative predictive value of 95%. In summary, the available evidence is currently insufficient to determine the role of this variant in disease. Therefore, it has been classified as a Variant of Uncertain Significance.

Color Diagnostics, LLC DBA Color Health
Classification: Uncertain significance for Familial thoracic aortic aneurysm and aortic dissection. Last evaluated: 2024-03-06. Review status: criteria provided, single submitter. Criteria: ACMG Guidelines, 2015. Collection method: clinical testing. Allele origin: germline.
Comment: This missense variant replaces proline with serine at codon 1193 of the COL3A1 protein. Computational prediction is inconclusive regarding the impact of this variant on protein structure and function (internally defined REVEL score threshold 0.5 < inconclusive < 0.7, PMID: 27666373). To our knowledge, functional studies have not been reported for this variant. This variant has not been reported in individuals affected with COL3A1-related disorders in the literature. This variant has not been identified in the general population by the Genome Aggregation Database (gnomAD). The available evidence is insufficient to determine the role of this variant in disease conclusively. Therefore, this variant is classified as a Variant of Uncertain Significance.

All of Us Research Program, National Institutes of Health
Classification: Uncertain significance for Ehlers-Danlos syndrome, type 4. Last evaluated: 2023-09-17. Review status: criteria provided, single submitter. Criteria: ACMG Guidelines, 2015. Collection method: clinical testing. Allele origin: germline. Inheritance: Autosomal dominant inheritance. Observed: 4 variant alleles, 4 heterozygotes.
Comment: This missense variant replaces proline with serine at codon 1193 of the COL3A1 protein. Computational prediction is inconclusive regarding the impact of this variant on protein structure and function (internally defined REVEL score threshold 0.5 < inconclusive < 0.7, PMID: 27666373). Splice site prediction tools suggest that this variant may not impact RNA splicing. To our knowledge, functional studies have not been performed for this variant. This variant has not been reported in individuals affected with cardiovascular disorders in the literature. This variant has not been identified in the general population by the Genome Aggregation Database (gnomAD). The available evidence is insufficient to determine the role of this variant in disease conclusively. Therefore, this variant is classified as a Variant of Uncertain Significance.

This study involves interpretation of variants in research participants for the purpose of population health screening. Participant phenotype was not available at the time of variant classification. Additional details can be found in publication PMID: 35346344, PMCID: PMC8962531

Institute of Human Genetics, University of Leipzig Medical Center
Classification: Uncertain significance for Ehlers-Danlos syndrome, type 4. Last evaluated: 2022-04-13. Review status: criteria provided, single submitter. Criteria: ACMG Guidelines, 2015. Collection method: clinical testing. Allele origin: unknown. Affected: yes.
Comment: _x000D_ Criteria applied: PM2_SUP, PP2, PP3